The following is an entry in ClinVar:

NM_000206.3(IL2RG):c.461C>A (p.Pro154His)

Gene: IL2RG (interleukin 2 receptor subunit gamma; minus strand). Cytogenetic location: Xq13.1.
Variant type: single nucleotide variant.
Coding change: c.461C>A on transcript NM_000206.3 (MANE Select); coding-DNA position 461, C replaced by A.
Protein change: p.Pro154His; replaces proline 154 with histidine.
Molecular consequence: missense variant.
Genome position (GRCh38, 1-based): chrX:71,110,289, G>T on the plus strand (C>A on the coding strand, the complement: IL2RG is on the minus strand). VCF-style: chrX-71110289-G-T. GRCh37 (hg19) VCF-style: chrX-70330139-G-T.
Other names: short protein forms P154H.
Identifiers: ClinVar variation 648645 (VCV000648645.10), dbSNP rs1602289242, ClinGen allele CA413496497.

ClinVar aggregate classification (germline): Uncertain significance (1 of 4 stars; one submission).

Conditions:
X-linked severe combined immunodeficiency (SCIDX1). Also called: X-Linked Combined Immunodeficiency Diseases; IMMUNODEFICIENCY 4; SCID, X-LINKED; SEVERE COMBINED IMMUNODEFICIENCY, X-LINKED, T CELL-NEGATIVE, B CELL-POSITIVE, NK CELL-NEGATIVE; T-B+ severe combined immunodeficiency due to gamma chain deficiency. Identifiers: Orphanet 276, MedGen C6022468, MONDO:0010315, OMIM 300400. Disease mechanism: loss of function.

Submission:

Labcorp Genetics (formerly Invitae), Labcorp
Classification: Uncertain significance for X-linked severe combined immunodeficiency. Last evaluated: 2019-02-03. Review status: criteria provided, single submitter. Criteria: Invitae Variant Classification Sherloc (09022015). Collection method: clinical testing. Allele origin: germline.
Comment: In summary, the available evidence is currently insufficient to determine the role of this variant in disease. Therefore, it has been classified as a Variant of Uncertain Significance. Algorithms developed to predict the effect of missense changes on protein structure and function are either unavailable or do not agree on the potential impact of this missense change (SIFT: "Deleterious"; PolyPhen-2: "Probably Damaging"; Align-GVGD: "Class C0"). This variant has not been reported in the literature in individuals with IL2RG-related disease. This variant is not present in population databases (ExAC no frequency). This sequence change replaces proline with histidine at codon 154 of the IL2RG protein (p.Pro154His). The proline residue is moderately conserved and there is a moderate physicochemical difference between proline and histidine.